The following is an entry in ClinVar:

ClinVar aggregate classification (germline): Uncertain significance. Review status: criteria provided, multiple submitters, no conflicts (2 of 4 stars). 2 submissions from 2 submitters: Uncertain significance (2). Last evaluated 2024-05-16.

Conditions:
Hereditary cancer-predisposing syndrome. Also called: Hereditary neoplastic syndrome; Neoplastic Syndromes, Hereditary; Tumor predisposition; Hereditary Cancer Syndrome. Identifiers: Orphanet 140162, MedGen C0027672, MeSH D009386, MONDO:0015356.
Fanconi anemia complementation group J. Also called: BRIP1-Related Fanconi Anemia. Identifiers: Orphanet 84, MedGen C1836860, MONDO:0012187, OMIM 609054.
Familial cancer of breast. Also called: BREAST CANCER, FAMILIAL; Hereditary breast cancer; hereditary breast carcinoma. Identifiers: Orphanet 227535, MedGen C0346153, MONDO:0016419, OMIM 114480. Disease mechanism: loss of function.

Submissions (2):

Labcorp Genetics (formerly Invitae), Labcorp
Classification: Uncertain significance for Familial cancer of breast; Fanconi anemia complementation group J. Last evaluated: 2024-05-16. Review status: criteria provided, single submitter. Criteria: Invitae Variant Classification Sherloc (09022015). Collection method: clinical testing. Allele origin: germline.
Comment: This sequence change replaces alanine, which is neutral and non-polar, with leucine, which is neutral and non-polar, at codon 585 of the BRIP1 protein (p.Ala585Leu). Information on the frequency of this variant in the gnomAD database is not available, as this variant may be reported differently in the database. This variant has not been reported in the literature in individuals affected with BRIP1-related conditions. ClinVar contains an entry for this variant (Variation ID: 485453). An algorithm developed to predict the effect of missense changes on protein structure and function (PolyPhen-2) suggests that this variant is likely to be tolerated. In summary, the available evidence is currently insufficient to determine the role of this variant in disease. Therefore, it has been classified as a Variant of Uncertain Significance.

Ambry Genetics
Classification: Uncertain significance for Hereditary cancer-predisposing syndrome. Last evaluated: 2017-02-01. Review status: criteria provided, single submitter. Criteria: Ambry Variant Classification Scheme 2023. Collection method: clinical testing. Allele origin: germline.
Comment: The c.1753_1754delGCinsTT variant (also known as p.A585L), located in coding exon 11 of the BRIP1 gene, results from an in-frame deletion of GC and insertion of TT at nucleotide positions 1753 to 1754. This results in the substitution of the alanine residue for a leucine residue at codon 585, an amino acid with similar properties. This amino acid position is not well conserved in available vertebrate species. In addition, this alteration is predicted to be benign and unknown by PolyPhen and SIFT in silico analyses, respectively. Since supporting evidence is limited at this time, the clinical significance of this alteration remains unclear.

NM_032043.3(BRIP1):c.1753_1754delinsTT (p.Ala585Leu)

Gene: BRIP1 (BRCA1 interacting DNA helicase 1; minus strand). Cytogenetic location: 17q23.2.
Variant type: Indel.
Coding change: c.1753_1754delinsTT on transcript NM_032043.3 (MANE Select); coding-DNA positions 1753 to 1754, GC replaced by TT.
Protein change: p.Ala585Leu; replaces alanine 585 with leucine.
Molecular consequence: missense variant.
Genome position (GRCh38, 1-based): chr17:61,780,880-61,780,881, GC replaced by AA on the plus strand (GC replaced by TT on the coding strand, the reverse complement: BRIP1 is on the minus strand). VCF-style: chr17-61780880-GC-AA. GRCh37 (hg19) VCF-style: chr17-59858241-GC-AA.
Other names: c.1753_1754delGCinsTT (NM_032043.2); short protein forms A585L.
Identifiers: ClinVar variation 485453 (VCV000485453.6), dbSNP rs1555602479, ClinGen allele CA658658671.
Genomic context (GRCh38, chr17:61,780,880, plus strand): 5'-CATTTACATGATGAGCTTACCACAGCTGGATTTAAGCACCAAAAGTTTAGCACATGAACT[GC>AA]AGTTTTCTGTCGTGAACGTTTCTTATTTTTTGGTAGAACCAACAACCCATTTTTGTCTGA-3'
Protein context (NP_114432.2, residues 575-595): KNKKRSRQKT[Ala585Leu]VHVLNFWCLN